The following is an entry in ClinVar:

ClinVar aggregate classification (germline): Pathogenic (1 of 4 stars; one submission).

Submission:

Labcorp Genetics (formerly Invitae), Labcorp
Classification: Pathogenic. Last evaluated: 2023-03-12. Review status: criteria provided, single submitter. Criteria: Invitae Variant Classification Sherloc (09022015). Collection method: clinical testing. Allele origin: germline.
Comment: For these reasons, this variant has been classified as Pathogenic. This variant has not been reported in the literature in individuals affected with ATF6-related conditions. This variant is not present in population databases (gnomAD no frequency). This sequence change creates a premature translational stop signal (p.Tyr461Thrfs*10) in the ATF6 gene. It is expected to result in an absent or disrupted protein product. Loss-of-function variants in ATF6 are known to be pathogenic (PMID: 26029869, 26063662, 26070061).

Literature cited by the submitters: PubMed 26029869; PubMed 26063662; PubMed 26070061.

NM_007348.4(ATF6):c.1381del (p.Tyr461fs)

Gene: ATF6 (activating transcription factor 6; plus strand). Cytogenetic location: 1q23.3.
Variant type: Deletion.
Coding change: c.1381del on transcript NM_007348.4 (MANE Select); coding-DNA position 1381, one base deleted (T; older notation c.1381delT).
Protein change: p.Tyr461fs; shifts the reading frame from tyrosine 461.
Molecular consequence: frameshift variant.
Genome position (GRCh38, 1-based): chr1:161,851,783, T deleted; the last of 3 consecutive T bases (chr1:161,851,781-161,851,783); deleting any one gives the same sequence. VCF-style (leftmost placement, unchanged base first): chr1-161851780-CT-C. GRCh37 (hg19) VCF-style: chr1-161821570-CT-C.
Other names: c.1381del, p.Tyr461fs (NM_001410890.1); short protein forms Y461fs.
Identifiers: ClinVar variation 2845171 (VCV002845171.3), dbSNP rs2525339520, ClinGen allele CA2739275379.
Genomic context (GRCh38, chr1:161,851,780, plus strand): 5'-AGATATGATCATTCTGTTTCAAATGACAAAGCCCTGATGGTGCTAACTGAAGAACCATTG[CT>C]TTACATTCCTCCACCTCCTTGTCAGCCCCTAATTAACACAACAGAGTCTCTCAGGTGAGT-3'